The following is an entry in ClinVar:

NM_000051.4(ATM):c.9076C>T (p.Leu3026Phe)

Genes: ATM (ATM serine/threonine kinase; plus strand), C11orf65 (chromosome 11 open reading frame 65; minus strand). Cytogenetic location: 11q22.3.
Variant type: single nucleotide variant.
Coding change: c.9076C>T on transcript NM_000051.4 (MANE Select); coding-DNA position 9076, C replaced by T.
Protein change: p.Leu3026Phe; replaces leucine 3026 with phenylalanine.
Molecular consequence: missense variant. On other transcripts: intron variant (2).
Genome position (GRCh38, 1-based): chr11:108,365,413, C>T. VCF-style: chr11-108365413-C-T. GRCh37 (hg19) VCF-style: chr11-108236140-C-T.
Other names: c.9076C>T, p.Leu3026Phe (NM_001351834.2); c.640+20507G>A (NM_001330368.2); c.694+20507G>A (NM_001351110.2); short protein forms L3026F.
Identifiers: ClinVar variation 2121005 (VCV002121005.4), dbSNP rs2137917186, ClinGen allele CA382531734.
Genomic context (GRCh38, chr11:108,365,413, plus strand): 5'-GCTGAACGTGTCTTAATGAGACTACAAGAGAAACTGAAAGGAGTGGAAGAAGGCACTGTG[C>T]TCAGTGTTGGTGGACAAGTGAATTTGCTCATACAGCAGGCCATAGACCCCAAAAATCTCA-3'
Protein context (NP_000042.3, residues 3016-3036): KLKGVEEGTV[Leu3026Phe]SVGGQVNLLI

ClinVar aggregate classification (germline): Uncertain significance (1 of 4 stars; one submission).

Conditions:
Ataxia-telangiectasia syndrome (AT). Also called: ATAXIA-TELANGIECTASIA, COMPLEMENTATION GROUP A; ATAXIA-TELANGIECTASIA, FRESNO VARIANT; Ataxia-telangiectasia; Ataxia-telangiectasia, complementation group E; LOUIS-BAR SYNDROME; Cerebello-oculocutaneous telangiectasia. Identifiers: Orphanet 100, MedGen C0004135, MONDO:0008840, OMIM 208900.

gnomAD v4.1: 1 of 1,614,190 alleles (0.000062%); highest among the groups gnomAD compares: Non-Finnish European, 0.000085%; no homozygotes.

Submission:

Labcorp Genetics (formerly Invitae), Labcorp
Classification: Uncertain significance for Ataxia-telangiectasia syndrome. Last evaluated: 2024-06-21. Review status: criteria provided, single submitter. Criteria: Invitae Variant Classification Sherloc (09022015). Collection method: clinical testing. Allele origin: germline.
Comment: This sequence change replaces leucine, which is neutral and non-polar, with phenylalanine, which is neutral and non-polar, at codon 3026 of the ATM protein (p.Leu3026Phe). This variant is not present in population databases (gnomAD no frequency). This variant has not been reported in the literature in individuals affected with ATM-related conditions. ClinVar contains an entry for this variant (Variation ID: 2121005). An algorithm developed to predict the effect of missense changes on protein structure and function (PolyPhen-2) suggests that this variant is likely to be disruptive. In summary, the available evidence is currently insufficient to determine the role of this variant in disease. Therefore, it has been classified as a Variant of Uncertain Significance.